The following is an entry in ClinVar:

NM_153704.6(TMEM67):c.1387C>T (p.Arg463Ter)

Gene: TMEM67 (transmembrane protein 67; plus strand). Cytogenetic location: 8q22.1.
Variant type: single nucleotide variant.
Coding change: c.1387C>T on transcript NM_153704.6 (MANE Select); coding-DNA position 1387, C replaced by T.
Protein change: p.Arg463Ter; replaces arginine 463 with a stop codon.
Molecular consequence: nonsense. On other transcripts: non-coding transcript variant (1).
Genome position (GRCh38, 1-based): chr8:93,786,321, C>T. VCF-style: chr8-93786321-C-T. GRCh37 (hg19) VCF-style: chr8-94798549-C-T.
Other names: c.1144C>T, p.Arg382Ter (NM_001142301.1); c.1387C>T (NM_153704.5); short protein forms R382*, R463*.
Identifiers: ClinVar variation 1411457 (VCV001411457.11), dbSNP rs778155409, ClinGen allele CA4807940.

ClinVar aggregate classification (germline): Pathogenic. Review status: criteria provided, multiple submitters, no conflicts (2 of 4 stars). 4 submissions from 4 submitters: Pathogenic (4). Last evaluated 2024-06-20.

Conditions:
Nephronophthisis 11 (NPHP11). Identifiers: Orphanet 84081, MedGen C3150796, MONDO:0013302, OMIM 613550.
TMEM67-related disorder. Also called: TMEM67-related disorders; TMEM67-related condition. Identifiers: MedGen CN239423.
Joubert syndrome. Also called: Familial aplasia of the vermis; JOUBERT-BOLTSHAUSER SYNDROME. Identifiers: Orphanet 475, MedGen C5979921, MONDO:0018772.
Meckel-Gruber syndrome. Also called: Dysencephalia splachnocystica; DYSENCEPHALIA SPLANCHNOCYSTICA; GRUBER SYNDROME. Identifiers: Orphanet 564, MedGen C0265215, MONDO:0018921.
COACH syndrome 1. Identifiers: Orphanet 1454, MedGen C5435651, MONDO:0800103, OMIM 216360, MONDO:0008996.
Joubert syndrome 6 (JBTS6). Identifiers: Orphanet 475, MedGen C1853153, MONDO:0012539, OMIM 610688.
Bardet-Biedl syndrome 14 (BBS14). Identifiers: Orphanet 110, MedGen C2673874, MONDO:0014442, OMIM 615991.
RHYNS syndrome. Also called: RETINITIS PIGMENTOSA SYNDROME; RETINITIS PIGMENTOSA, HYPOPITUITARISM, NEPHRONOPHTHISIS, AND MILD SKELETAL DYSPLASIA. Identifiers: Orphanet 140976, MedGen C1865794, MONDO:0011202, OMIM 602152.
Meckel syndrome, type 3 (MKS3). Also called: MECKEL-GRUBER SYNDROME, TYPE 3. Identifiers: Orphanet 564, MedGen C1846357, MONDO:0011821, OMIM 607361.

Allele frequency attached by ClinVar (database versions not stated): ExAC 0.00001; gnomAD exomes 0.00001.
gnomAD v4.1: 7 of 1,613,708 alleles (0.00043%); highest among the groups gnomAD compares: South Asian, 0.0033%; no homozygotes.

Submissions (4):

Fulgent Genetics
Classification: Pathogenic for COACH syndrome 1; RHYNS syndrome; Meckel syndrome, type 3; Joubert syndrome 6; Nephronophthisis 11; Bardet-Biedl syndrome 14. Last evaluated: 2024-06-20. Review status: criteria provided, single submitter. Criteria: ACMG Guidelines, 2015. Collection method: clinical testing. Allele origin: germline.

Labcorp Genetics (formerly Invitae), Labcorp
Classification: Pathogenic for Joubert syndrome; Meckel-Gruber syndrome. Last evaluated: 2023-12-11. Review status: criteria provided, single submitter. Criteria: Invitae Variant Classification Sherloc (09022015). Collection method: clinical testing. Allele origin: germline.
Comment: This sequence change creates a premature translational stop signal (p.Arg463*) in the TMEM67 gene. It is expected to result in an absent or disrupted protein product. Loss-of-function variants in TMEM67 are known to be pathogenic (PMID: 20232449, 23559409). This variant is present in population databases (rs778155409, gnomAD 0.006%). This premature translational stop signal has been observed in individual(s) with clinical features of Joubert syndrome (PMID: 21068128). ClinVar contains an entry for this variant (Variation ID: 1411457). Algorithms developed to predict the effect of sequence changes on RNA splicing suggest that this variant may disrupt the consensus splice site. For these reasons, this variant has been classified as Pathogenic.

PreventionGenetics, part of Exact Sciences
Classification: Pathogenic for TMEM67-related condition. Last evaluated: 2023-06-30. Review status: criteria provided, single submitter. Criteria: ACMG Guidelines, 2015. Collection method: clinical testing. Allele origin: germline.
Comment: The TMEM67 c.1387C>T variant is predicted to result in premature protein termination (p.Arg463*). This variant was reported to be causative for Joubert syndrome (Otto et al. 2011. PubMed ID: 21068128; Table S8, Chaki et al. 2011. PubMed ID: 21866095). This variant is reported in 0.0054% of alleles in individuals of East Asian descent in gnomAD. Nonsense variants in TMEM67 are expected to be pathogenic. This variant is interpreted as pathogenic.

3billion
Classification: Pathogenic for Nephronophthisis 11. Last evaluated: 2023-02-23. Review status: criteria provided, single submitter. Criteria: ACMG Guidelines, 2015. Collection method: clinical testing. Allele origin: unknown. Affected: yes.
Comment: The variant is observed at an extremely low frequency in the gnomAD v2.1.1 dataset (total allele frequency: <0.001%). This variant was predicted to result in a loss or disruption of normal protein function through nonsense-mediated decay (NMD) or protein truncation. Multiple pathogenic variants are reported downstream of the variant. The variant has been reported to be associated with TMEM67 -related disorder (ClinVar ID: VCV001411457 / PMID: 21068128). Therefore, this variant is classified as Pathogenic according to the recommendation of ACMG/AMP guideline.

Literature cited by the submitters: PubMed 20232449 (cited by Labcorp Genetics (formerly Invitae), Labcorp); PubMed 23559409 (cited by Labcorp Genetics (formerly Invitae), Labcorp); PubMed 21068128 (cited by Labcorp Genetics (formerly Invitae), Labcorp and 3billion).